The following is an entry in ClinVar:

ClinVar aggregate classification (germline): Uncertain significance (0 of 4 stars; one submission).

Conditions:
SEMA3A-related disorder. Also called: SEMA3A-related condition.

gnomAD v4.1: 1 of 1,614,106 alleles (0.000062%); no homozygotes.

Submission:

PreventionGenetics, part of Exact Sciences
Classification: Uncertain significance for SEMA3A-related condition. Last evaluated: 2024-03-28. Review status: no assertion criteria provided. Collection method: clinical testing. Allele origin: germline.
Comment: The SEMA3A c.2143C>G variant is predicted to result in the amino acid substitution p.Leu715Val. To our knowledge, this variant has not been reported in the literature or in a large population database, indicating this variant is rare. At this time, the clinical significance of this variant is uncertain due to the absence of conclusive functional and genetic evidence.

NM_006080.3(SEMA3A):c.2143C>G (p.Leu715Val)

Gene: SEMA3A (semaphorin 3A; minus strand). Cytogenetic location: 7q21.11.
Variant type: single nucleotide variant.
Coding change: c.2143C>G on transcript NM_006080.3 (MANE Select); coding-DNA position 2143, C replaced by G.
Protein change: p.Leu715Val; replaces leucine 715 with valine.
Molecular consequence: missense variant.
Genome position (GRCh38, 1-based): chr7:83,961,544, G>C on the plus strand (C>G on the coding strand, the complement: SEMA3A is on the minus strand). VCF-style: chr7-83961544-G-C. GRCh37 (hg19) VCF-style: chr7-83590860-G-C.
Other names: short protein forms L715V.
Identifiers: ClinVar variation 3349664 (VCV003349664.1).